The following is an entry in ClinVar:

NM_000051.4(ATM):c.8285A>G (p.Gln2762Arg)

Genes: ATM (ATM serine/threonine kinase; plus strand), C11orf65 (chromosome 11 open reading frame 65; minus strand). Cytogenetic location: 11q22.3.
Variant type: single nucleotide variant.
Coding change: c.8285A>G on transcript NM_000051.4 (MANE Select); coding-DNA position 8285, A replaced by G.
Protein change: p.Gln2762Arg; replaces glutamine 2762 with arginine.
Molecular consequence: missense variant. On other transcripts: intron variant (2).
Genome position (GRCh38, 1-based): chr11:108,343,238, A>G. VCF-style: chr11-108343238-A-G. GRCh37 (hg19) VCF-style: chr11-108213965-A-G.
Other names: c.8285A>G, p.Gln2762Arg (NM_001351834.2); c.641-34167T>C (NM_001330368.2); c.695-7946T>C (NM_001351110.2); short protein forms Q2762R.
Identifiers: ClinVar variation 4056169 (VCV004056169.1).

ClinVar aggregate classification (germline): Uncertain significance. Review status: criteria provided, multiple submitters, no conflicts (2 of 4 stars). 2 submissions from 2 submitters: Uncertain significance (2). Last evaluated 2025-03-26.

Conditions:
Ataxia-telangiectasia syndrome (AT). Also called: LOUIS-BAR SYNDROME; Cerebello-oculocutaneous telangiectasia; Immunodeficiency with ataxia telangiectasia; Ataxia-telangiectasia, complementation group D; AT, COMPLEMENTATION GROUP C; ATAXIA-TELANGIECTASIA, COMPLEMENTATION GROUP A. Identifiers: Orphanet 100, MedGen C0004135, MONDO:0008840, OMIM 208900.

Submissions (2):

Labcorp Genetics (formerly Invitae), Labcorp
Classification: Uncertain significance for Ataxia-telangiectasia syndrome. Last evaluated: 2025-03-26. Review status: criteria provided, single submitter. Criteria: Invitae Variant Classification Sherloc (09022015). Collection method: clinical testing. Allele origin: germline.
Comment: This sequence change replaces glutamine, which is neutral and polar, with arginine, which is basic and polar, at codon 2762 of the ATM protein (p.Gln2762Arg). This variant is not present in population databases (gnomAD no frequency). This variant has not been reported in the literature in individuals affected with ATM-related conditions. Invitae Evidence Modeling of protein sequence and biophysical properties (such as structural, functional, and spatial information, amino acid conservation, physicochemical variation, residue mobility, and thermodynamic stability) has been performed for this missense variant. However, the output from this modeling did not meet the statistical confidence thresholds required to predict the impact of this variant on ATM protein function. In summary, the available evidence is currently insufficient to determine the role of this variant in disease. Therefore, it has been classified as a Variant of Uncertain Significance.

Molecular Pathology, Peter Maccallum Cancer Centre
Classification: Uncertain significance for Ataxia-telangiectasia syndrome. Last evaluated: 2024-09-17. Review status: criteria provided, single submitter. Criteria: ACMG Guidelines, 2015. Collection method: clinical testing. Allele origin: germline. Inheritance: Autosomal recessive inheritance.